The following is an entry in ClinVar:

ClinVar aggregate classification (germline): Uncertain significance (1 of 4 stars; one submission).

Conditions:
Common variable immunodeficiency (CVID). Also called: Common variable hypogamma-globulinemia; Common variable agammaglobulinemia. Identifiers: Orphanet 1572, MedGen C0009447, MONDO:0015517.

gnomAD v4.1: 1 of 1,394,152 alleles (0.000072%); highest among the groups gnomAD compares: Non-Finnish European, 0.000093%; no homozygotes.

Submission:

Labcorp Genetics (formerly Invitae), Labcorp
Classification: Uncertain significance for Common variable immunodeficiency. Last evaluated: 2022-11-08. Review status: criteria provided, single submitter. Criteria: Invitae Variant Classification Sherloc (09022015). Collection method: clinical testing. Allele origin: germline.
Comment: This variant is not present in population databases (gnomAD no frequency). This variant has not been reported in the literature in individuals affected with TNFSF12-related conditions. Algorithms developed to predict the effect of missense changes on protein structure and function are either unavailable or do not agree on the potential impact of this missense change (SIFT: "Tolerated"; PolyPhen-2: "Not Available"; Align-GVGD: "Class C0"). In summary, the available evidence is currently insufficient to determine the role of this variant in disease. Therefore, it has been classified as a Variant of Uncertain Significance. This sequence change replaces arginine, which is basic and polar, with glycine, which is neutral and non-polar, at codon 47 of the TNFSF12 protein (p.Arg47Gly).

NM_003809.3(TNFSF12):c.139C>G (p.Arg47Gly)

Genes: TNFSF12 (TNF superfamily member 12; plus strand), TNFSF12-TNFSF13 (TNFSF12-TNFSF13 readthrough; plus strand). Cytogenetic location: 17p13.1.
Variant type: single nucleotide variant.
Coding change: c.139C>G on transcript NM_003809.3 (MANE Select); coding-DNA position 139, C replaced by G.
Protein change: p.Arg47Gly; replaces arginine 47 with glycine.
Molecular consequence: missense variant. On other transcripts: non-coding transcript variant (1).
Genome position (GRCh38, 1-based): chr17:7,549,292, C>G. VCF-style: chr17-7549292-C-G. GRCh37 (hg19) VCF-style: chr17-7452609-C-G.
Other names: c.139C>G, p.Arg47Gly (NM_172089.4); short protein forms R47G.
Identifiers: ClinVar variation 2810433 (VCV002810433.3), dbSNP rs1003055172, ClinGen allele CA397854370.